The following is an entry in ClinVar:

NM_024537.4(CARS2):c.1627A>G (p.Arg543Gly)

Gene: CARS2 (cysteinyl-tRNA synthetase 2, mitochondrial; minus strand). Cytogenetic location: 13q34.
Variant type: single nucleotide variant.
Coding change: c.1627A>G on transcript NM_024537.4 (MANE Select); coding-DNA position 1627, A replaced by G.
Protein change: p.Arg543Gly; replaces arginine 543 with glycine.
Molecular consequence: missense variant. On other transcripts: non-coding transcript variant (2).
Genome position (GRCh38, 1-based): chr13:110,641,605, T>C on the plus strand (A>G on the coding strand, the complement: CARS2 is on the minus strand). VCF-style: chr13-110641605-T-C. GRCh37 (hg19) VCF-style: chr13-111293952-T-C.
Other names: c.841A>G, p.Arg281Gly (NM_001352252.2); short protein forms R281G, R543G.
Identifiers: ClinVar variation 1016839 (VCV001016839.9), dbSNP rs1887298440, ClinGen allele CA388739195.
Genomic context (GRCh38, chr13:110,641,605, plus strand): 5'-CTGATTTTTGGTCTTTTGTCCTTTGATCCAGCAGTTCCCACGTGGATGTTGTACTGCTTC[T>C]GTCCTGGAGAAGAAGAGTGAGGTCCAACTCTGAGCAGACACCACGTCATGTGGCACAGGG-3'
Protein context (NP_078813.1, residues 533-553): LTAHGINIKD[Arg543Gly]SSTTSTWELL

ClinVar aggregate classification (germline): Uncertain significance (1 of 4 stars; one submission).

Conditions:
Combined oxidative phosphorylation defect type 27. Also called: Combined oxidative phosphorylation deficiency 27. Identifiers: Orphanet 477774, MedGen C5567608, MONDO:0014728, OMIM 616672.

Submission:

Labcorp Genetics (formerly Invitae), Labcorp
Classification: Uncertain significance for Combined oxidative phosphorylation defect type 27. Last evaluated: 2020-02-04. Review status: criteria provided, single submitter. Criteria: Invitae Variant Classification Sherloc (09022015). Collection method: clinical testing. Allele origin: germline.
Comment: This sequence change replaces arginine with glycine at codon 543 of the CARS2 protein (p.Arg543Gly). The arginine residue is highly conserved and there is a moderate physicochemical difference between arginine and glycine. This variant is not present in population databases (ExAC no frequency). This variant has not been reported in the literature in individuals with CARS2-related conditions. Algorithms developed to predict the effect of missense changes on protein structure and function (SIFT, PolyPhen-2, Align-GVGD) all suggest that this variant is likely to be disruptive, but these predictions have not been confirmed by published functional studies and their clinical significance is uncertain. In summary, the available evidence is currently insufficient to determine the role of this variant in disease. Therefore, it has been classified as a Variant of Uncertain Significance.